The following is an entry in ClinVar:

ClinVar aggregate classification (germline): Conflicting classifications of pathogenicity. Review status: criteria provided, conflicting classifications (1 of 4 stars). 7 submissions from 7 submitters: Uncertain significance (4); Benign (1); Likely benign (2). Last evaluated 2026-01-06.

Conditions:
Breast-ovarian cancer, familial, susceptibility to, 2 (BROVCA2). Also called: BRCA2 Hereditary Breast and Ovarian Cancer. Identifiers: Orphanet 145, MedGen C2675520, MONDO:0012933, OMIM 612555. Disease mechanism: loss of function.
Hereditary breast ovarian cancer syndrome. Also called: Hereditary breast and ovarian cancer syndrome; Hereditary breast and ovarian cancer syndrome (HBOC); BRCA1- and BRCA2-Associated Hereditary Breast and Ovarian Cancer; Hereditary breast and ovarian cancer; Breast and ovarian cancer; Hereditary breast and/or ovarian cancer syndrome. Identifiers: Orphanet 145, MedGen C0677776, MeSH D061325, MONDO:0003582. Disease mechanism: loss of function.
Hereditary cancer-predisposing syndrome. Also called: Neoplastic Syndromes, Hereditary; Hereditary neoplastic syndrome; Tumor predisposition; Hereditary Cancer Syndrome. Identifiers: Orphanet 140162, MedGen C0027672, MeSH D009386, MONDO:0015356.

Allele frequency attached by ClinVar (database versions not stated): TOPMed below 0.00001; gnomAD 0.00001.
gnomAD v4.1: 2 of 1,588,216 alleles (0.00013%); highest among the groups gnomAD compares: Admixed American, 0.0038%; no homozygotes.

Submissions (7):

Labcorp Genetics (formerly Invitae), Labcorp
Classification: Uncertain significance for Hereditary breast ovarian cancer syndrome. Last evaluated: 2026-01-06. Review status: criteria provided, single submitter. Criteria: Invitae Variant Classification Sherloc (09022015). Collection method: clinical testing. Allele origin: germline.
Comment: This sequence change replaces asparagine, which is neutral and polar, with serine, which is neutral and polar, at codon 876 of the BRCA2 protein (p.Asn876Ser). This variant is not present in population databases (gnomAD no frequency). This variant has not been reported in the literature in individuals affected with BRCA2-related conditions. ClinVar contains an entry for this variant (Variation ID: 531265). Invitae Evidence Modeling of protein sequence and biophysical properties (such as structural, functional, and spatial information, amino acid conservation, physicochemical variation, residue mobility, and thermodynamic stability) indicates that this missense variant is not expected to disrupt BRCA2 protein function with a negative predictive value of 95%. In summary, the available evidence is currently insufficient to determine the role of this variant in disease. Therefore, it has been classified as a Variant of Uncertain Significance.

Myriad Genetics, Inc.
Classification: Benign for Breast-ovarian cancer, familial, susceptibility to, 2. Last evaluated: 2025-11-21. Review status: criteria provided, single submitter. Criteria: Myriad Autosomal Dominant, Autosomal Recessive and X-Linked Classification Criteria (2023). Collection method: clinical testing. Allele origin: unknown.
Comment: This variant is considered benign. This variant is strongly associated with less severe personal and family histories of cancer, typical for individuals without pathogenic variants in this gene [PMID: 25085752]. Homozygosity for this variant has been confirmed in one or more individuals lacking clinical features consistent with gene-specific recessive disease, indicating that this variant is unlikely to be pathogenic.

Quest Diagnostics Nichols Institute San Juan Capistrano
Classification: Uncertain significance. Last evaluated: 2025-02-11. Review status: criteria provided, single submitter. Criteria: Quest Diagnostics criteria. Collection method: clinical testing. Allele origin: unknown.
Comment: The BRCA2 c.2627A>G (p.Asn876Ser) variant has been reported in the published literature in in a reportedly healthy individual (PMID: 33471991 (2021), see also LOVD). This variant has also been reported to be located in a region of the BRCA2 gene that is tolerant to missense sequence changes (PMID: 31911673 (2020)). This variant has not been reported in large, multi-ethnic general populations (Genome Aggregation Database). Analysis of this variant using bioinformatics tools for the prediction of the effect of amino acid changes on protein structure and function yielded predictions that this variant is benign. Based on the available information, we are unable to determine the clinical significance of this variant.

Ambry Genetics
Classification: Likely benign for Hereditary cancer-predisposing syndrome. Last evaluated: 2024-06-12. Review status: criteria provided, single submitter. Criteria: Ambry Variant Classification Scheme 2023. Collection method: clinical testing. Allele origin: germline.

Color Diagnostics, LLC DBA Color Health
Classification: Uncertain significance for Hereditary cancer-predisposing syndrome. Last evaluated: 2023-07-31. Review status: criteria provided, single submitter. Criteria: ACMG Guidelines, 2015. Collection method: clinical testing. Allele origin: germline.
Comment: This missense variant replaces asparagine with serine at codon 876 of the BRCA2 protein. Computational prediction suggests that this variant may not impact protein structure and function (internally defined REVEL score threshold <= 0.5, PMID: 27666373). To our knowledge, functional studies have not been reported for this variant. This variant has not been reported in individuals affected with BRCA2-related disorders in the literature. This variant has not been identified in the general population by the Genome Aggregation Database (gnomAD). The available evidence is insufficient to determine the role of this variant in disease conclusively. Therefore, this variant is classified as a Variant of Uncertain Significance.

GeneDx
Classification: Uncertain significance. Last evaluated: 2023-07-09. Review status: criteria provided, single submitter. Criteria: GeneDx Variant Classification Process June 2021. Collection method: clinical testing. Allele origin: germline. Affected: yes.
Comment: Not observed at significant frequency in large population cohorts (gnomAD); In silico analysis supports that this missense variant does not alter protein structure/function; Has not been previously published as pathogenic or benign to our knowledge; Also known as 2855A>G; This variant is associated with the following publications: (PMID: 31911673, 29884841)

University of Washington Department of Laboratory Medicine, University of Washington
Classification: Likely benign for Hereditary cancer-predisposing syndrome. Last evaluated: 2023-03-23. Review status: criteria provided, single submitter. Criteria: Dines et al. (Genet Med. 2020). Collection method: curation. Allele origin: germline.
Comment: Missense variant in a coldspot region where missense variants are very unlikely to be pathogenic (PMID:31911673).

BRCA2 exon 11 coldspot. Reclassification based on statistical prior probability.

Literature cited by the submitters: PubMed 25085752 (cited by Myriad Genetics, Inc.); PubMed 33471991 (cited by Quest Diagnostics Nichols Institute San Juan Capistrano); PubMed 31911673 (cited by Quest Diagnostics Nichols Institute San Juan Capistrano).

NM_000059.4(BRCA2):c.2627A>G (p.Asn876Ser)

Gene: BRCA2 (BRCA2 DNA repair associated; plus strand). Cytogenetic location: 13q13.1.
Variant type: single nucleotide variant.
Coding change: c.2627A>G on transcript NM_000059.4 (MANE Select); coding-DNA position 2627, A replaced by G.
Protein change: p.Asn876Ser; replaces asparagine 876 with serine.
Molecular consequence: missense variant.
Genome position (GRCh38, 1-based): chr13:32,336,982, A>G. VCF-style: chr13-32336982-A-G. GRCh37 (hg19) VCF-style: chr13-32911119-A-G.
Other names: short protein forms N876S.
Identifiers: ClinVar variation 531265 (VCV000531265.20), dbSNP rs997313713, ClinGen allele CA247502734.